The following is an entry in ClinVar:

NM_032656.4(DHX37):c.640A>G (p.Met214Val)

Gene: DHX37 (DEAH-box helicase 37; minus strand). Cytogenetic location: 12q24.31.
Variant type: single nucleotide variant.
Coding change: c.640A>G on transcript NM_032656.4 (MANE Select); coding-DNA position 640, A replaced by G.
Protein change: p.Met214Val; replaces methionine 214 with valine.
Molecular consequence: missense variant.
Genome position (GRCh38, 1-based): chr12:124,980,588, T>C on the plus strand (A>G on the coding strand, the complement: DHX37 is on the minus strand). VCF-style: chr12-124980588-T-C. GRCh37 (hg19) VCF-style: chr12-125465134-T-C.
Other names: short protein forms M214V.
Identifiers: ClinVar variation 2717408 (VCV002717408.4), dbSNP rs746698210, ClinGen allele CA6872393.

ClinVar aggregate classification (germline): Uncertain significance (1 of 4 stars; one submission).

Allele frequency attached by ClinVar (database versions not stated): TOPMed 0.00001; ExAC 0.00024.
gnomAD v4.1: 7 of 1,610,358 alleles (0.00043%); highest among the groups gnomAD compares: Non-Finnish European, 0.00017%; no homozygotes.

Submissions (3):

Labcorp Genetics (formerly Invitae), Labcorp
Classification: Uncertain significance. Last evaluated: 2023-02-25. Review status: criteria provided, single submitter. Criteria: Invitae Variant Classification Sherloc (09022015). Collection method: clinical testing. Allele origin: germline.
Comment: This sequence change replaces methionine, which is neutral and non-polar, with valine, which is neutral and non-polar, at codon 214 of the DHX37 protein (p.Met214Val). The frequency data for this variant in the population databases is considered unreliable, as metrics indicate poor data quality at this position in the gnomAD database. This variant has not been reported in the literature in individuals affected with DHX37-related conditions. Advanced modeling of protein sequence and biophysical properties (such as structural, functional, and spatial information, amino acid conservation, physicochemical variation, residue mobility, and thermodynamic stability) performed at Invitae indicates that this missense variant is not expected to disrupt DHX37 protein function. In summary, the available evidence is currently insufficient to determine the role of this variant in disease. Therefore, it has been classified as a Variant of Uncertain Significance.

Dr. Peter K. Rogan Lab, Western University
No classification provided (evidence only). Condition: Malignant tumor of urinary bladder. Review status: no classification provided. Collection method: in vitro. Allele origin: not applicable. Functional consequence: retained intron. Not counted in ClinVar's aggregate classification.

Dr. Peter K. Rogan Lab, Western University
No classification provided (evidence only). Condition: Malignant tumor of urinary bladder. Review status: no classification provided. Collection method: in vitro. Allele origin: not applicable. Functional consequence: retained intron. Not counted in ClinVar's aggregate classification.